The following is an entry in ClinVar:

NM_001267550.2(TTN):c.101143T>C (p.Ser33715Pro)

Genes: TTN (titin; minus strand), TTN-AS1 (TTN antisense RNA 1; plus strand). Cytogenetic location: 2q31.2.
Variant type: single nucleotide variant.
Coding change: c.101143T>C on transcript NM_001267550.2 (MANE Select); coding-DNA position 101143, T replaced by C.
Protein change: p.Ser33715Pro; replaces serine 33715 with proline.
Molecular consequence: missense variant.
Genome position (GRCh38, 1-based): chr2:178,535,472, A>G on the plus strand (T>C on the coding strand, the complement: TTN is on the minus strand). VCF-style: chr2-178535472-A-G. GRCh37 (hg19) VCF-style: chr2-179400199-A-G.
Other names: c.96220T>C, p.Ser32074Pro (NM_001256850.1); c.73948T>C, p.Ser24650Pro (NM_003319.4); c.93439T>C, p.Ser31147Pro (NM_133378.4); c.74323T>C, p.Ser24775Pro (NM_133432.3); c.74524T>C, p.Ser24842Pro (NM_133437.4); short protein forms S24650P, S33715P, S24842P, S24775P, S31147P, S32074P.
Identifiers: ClinVar variation 1758674 (VCV001758674.4), dbSNP rs2468575977, ClinGen allele CA349421558.

ClinVar aggregate classification (germline): Uncertain significance. Review status: criteria provided, multiple submitters, no conflicts (2 of 4 stars). 2 submissions from 2 submitters: Uncertain significance (2). Last evaluated 2024-08-14.

Conditions:
Autosomal recessive limb-girdle muscular dystrophy type 2J (LGMDR10). Also called: Limb-girdle muscular dystrophy, type 2J; MUSCULAR DYSTROPHY, LIMB-GIRDLE, AUTOSOMAL RECESSIVE 10. Identifiers: Orphanet 140922, MedGen C1837342, MONDO:0012127, OMIM 608807.
Dilated cardiomyopathy 1G (CMD1G). Identifiers: Orphanet 154, MedGen C1858763, MONDO:0011400, OMIM 604145.
Cardiovascular phenotype. Identifiers: MedGen CN230736.

Allele frequency attached by ClinVar (database versions not stated): gnomAD exomes below 0.00001.
gnomAD v4.1: 1 of 1,613,890 alleles (0.000062%); highest among the groups gnomAD compares: African/African-American, 0.0013%; no homozygotes.

Submissions (2):

Labcorp Genetics (formerly Invitae), Labcorp
Classification: Uncertain significance for Dilated cardiomyopathy 1G; Autosomal recessive limb-girdle muscular dystrophy type 2J. Last evaluated: 2024-08-14. Review status: criteria provided, single submitter. Criteria: Invitae Variant Classification Sherloc (09022015). Collection method: clinical testing. Allele origin: germline.
Comment: This sequence change replaces serine, which is neutral and polar, with proline, which is neutral and non-polar, at codon 33715 of the TTN protein (p.Ser33715Pro). This variant is not present in population databases (gnomAD no frequency). This variant has not been reported in the literature in individuals affected with TTN-related conditions. ClinVar contains an entry for this variant (Variation ID: 1758674). Experimental studies and prediction algorithms are not available or were not evaluated, and the functional significance of this variant is currently unknown. This variant is located in the M band of TTN (PMID: 25589632). Non-truncating variants in this region may be relevant for neuromuscular disorders, but have not been definitively shown to cause cardiomyopathy (PMID: 23975875). In summary, the available evidence is currently insufficient to determine the role of this variant in disease. Therefore, it has been classified as a Variant of Uncertain Significance.

Ambry Genetics
Classification: Uncertain significance for Cardiovascular phenotype. Last evaluated: 2020-05-20. Review status: criteria provided, single submitter. Criteria: Ambry Variant Classification Scheme 2023. Collection method: clinical testing. Allele origin: germline.
Comment: The p.S24650P variant (also known as c.73948T>C), located in coding exon 185 of the TTN gene, results from a T to C substitution at nucleotide position 73948. The serine at codon 24650 is replaced by proline, an amino acid with similar properties. This amino acid position is not well conserved in available vertebrate species. In addition, the in silico prediction for this alteration is inconclusive. Since supporting evidence is limited at this time, the clinical significance of this alteration remains unclear.

Literature cited by the submitters: PubMed 25589632 (cited by Labcorp Genetics (formerly Invitae), Labcorp); PubMed 23975875 (cited by Labcorp Genetics (formerly Invitae), Labcorp).